The following is an entry in ClinVar:

NM_006204.4(PDE6C):c.2368-2A>T

Gene: PDE6C (phosphodiesterase 6C; plus strand). Cytogenetic location: 10q23.33.
Variant type: single nucleotide variant.
Coding change: c.2368-2A>T on transcript NM_006204.4 (MANE Select); the canonical splice acceptor site of the intron before coding-DNA position 2368, A replaced by T.
Molecular consequence: splice acceptor variant.
Genome position (GRCh38, 1-based): chr10:93,663,026, A>T. VCF-style: chr10-93663026-A-T. GRCh37 (hg19) VCF-style: chr10-95422783-A-T.
Identifiers: ClinVar variation 2628029 (VCV002628029.2), dbSNP rs2492571833, ClinGen allele CA377628806.

ClinVar aggregate classification (germline): Pathogenic (1 of 4 stars; one submission).

Conditions:
Isolated macular dystrophy. Identifiers: Orphanet 519302, MedGen C5681367, MONDO:0957048.

Submission:

DBGen Ocular Genomics
Classification: Pathogenic for Isolated macular dystrophy. Last evaluated: 2023-01-01. Review status: criteria provided, single submitter. Criteria: ACMG Guidelines, 2015. Collection method: clinical testing. Allele origin: unknown. Inheritance: Autosomal recessive inheritance. Affected: yes.
Comment: Class 5 ACMG Guidelines, 2015 (PMID:25741868)